The following is an entry in ClinVar:

NM_002016.2(FLG):c.2476C>T (p.Arg826Ter)

Genes: CCDST (cervical cancer associated DHX9 suppressive transcript; plus strand), FLG (filaggrin; minus strand). Cytogenetic location: 1q21.3.
Variant type: single nucleotide variant.
Coding change: c.2476C>T on transcript NM_002016.2 (MANE Select); coding-DNA position 2476, C replaced by T.
Protein change: p.Arg826Ter; replaces arginine 826 with a stop codon.
Molecular consequence: nonsense.
Genome position (GRCh38, 1-based): chr1:152,312,410, G>A on the plus strand (C>T on the coding strand, the complement: FLG is on the minus strand). VCF-style: chr1-152312410-G-A. GRCh37 (hg19) VCF-style: chr1-152284886-G-A.
Other names: short protein forms R826*.
Identifiers: ClinVar variation 265156 (VCV000265156.39), dbSNP rs115746363, ClinGen allele CA1107151.

ClinVar aggregate classification (germline): Conflicting classifications of pathogenicity. Review status: criteria provided, conflicting classifications (1 of 4 stars). 20 submissions from 19 submitters: Pathogenic (14); Likely pathogenic (3); Uncertain significance (3). Last evaluated 2026-01-29.

Conditions:
Ichthyosis and erythrokeratoderma.
Autosomal dominant FLG-related disorders.
FLG-related disorder. Also called: FLG-related condition; FLG-related disorders.
Palmoplantar keratodermas.
Inborn genetic diseases. Identifiers: MedGen C0950123, MeSH D030342.
Dermatitis, atopic, 2. Identifiers: MedGen C1853965, MONDO:0011596, OMIM 605803.
Ichthyosis vulgaris. Also called: Dominant ichthyosis vulgaris; ICHTHYOSIS SIMPLEX. Identifiers: MedGen C0079584, MONDO:0024304, OMIM 146700.

Allele frequency attached by ClinVar (database versions not stated): gnomAD exomes 0.00060; ExAC 0.00068; 1000 Genomes Project 30x 0.00187; gnomAD 0.00243; TOPMed 0.00251; ESP Exome Variant Server 0.00254.
gnomAD v4.1: 731 of 1,613,312 alleles (0.045%); highest among the groups gnomAD compares: African/African-American, 0.84%; 2 homozygotes.

Submissions 1 to 11 of 20:

Dasa
Classification: Pathogenic. Last evaluated: 2026-01-29. Review status: criteria provided, single submitter. Criteria: DASA Assertion Criteria. Collection method: clinical testing. Allele origin: germline.
Comment: NM_002016.2(FLG):c.2476C>T (p.Arg826*) introduces a premature termination codon predicted to result in loss of normal protein function. Loss-of-function is an established mechanism of disease for this gene. This variant has been reported in individuals with related phenotype. This variant has been reported in individuals with related phenotype. The variant is present at low frequency in population datasets. Based on the available data, this variant is classified as pathogenic.

Variantyx, Inc.
Classification: Likely pathogenic for Autosomal dominant FLG-related disorders. Last evaluated: 2025-11-05. Review status: criteria provided, single submitter. Criteria: Variantyx Assertion Criteria 2022. Collection method: clinical testing. Allele origin: germline. Inheritance: Semidominant inheritance. Affected: no.
Comment: This is a nonsense variant in the FLG gene (OMIM: 135940). Pathogenic variants in this gene have been associated with autosomal semidominant FLG-related disorders. This variant introduces a premature termination codon in exon 3 out of 3 and is expected to result in loss of function, which is a known disease mechanism for FLG in this disorder (PMID: 21039602) (PVS1). This variant has been reported in at least 3 unrelated affected individuals (PMID: 24920311, 24920311) (PS4_Moderate). This variant has a 0.8359% maximum allele frequency in control populations (gnomAD) (BS1). Inheritance from an unaffected parent or a parent with unknown affected status has been reported, consistent with incomplete penetrance (PMID: 24920311). Based on the current evidence, this variant is classified as likely pathogenic for autosomal semidominant FLG-related disorders.

Genetics Laboratory, Great Ormond Street Hospital NHS Foundation Trust, North Thames Genomic Laboratory Hub
Classification: Uncertain significance for Palmoplantar keratodermas. Last evaluated: 2025-10-10. Review status: criteria provided, single submitter. Criteria: ACGS Best Practice Guidelines for Variant Classification in Rare Disease 2024 v1.2. Collection method: clinical testing. Allele origin: germline. Affected: yes.
Comment: PVS1_very-strong

Genetics Laboratory, Great Ormond Street Hospital NHS Foundation Trust, North Thames Genomic Laboratory Hub
Classification: Uncertain significance for Ichthyosis and erythrokeratoderma. Last evaluated: 2025-10-10. Review status: criteria provided, single submitter. Criteria: ACGS Best Practice Guidelines for Variant Classification in Rare Disease 2024 v1.2. Collection method: clinical testing. Allele origin: germline. Affected: yes.
Comment: the same text as in the submission from Genetics Laboratory, Great Ormond Street Hospital NHS Foundation Trust, North Thames Genomic Laboratory Hub above.

Ambry Genetics
Classification: Pathogenic for Inborn genetic diseases. Last evaluated: 2025-02-25. Review status: criteria provided, single submitter. Criteria: Ambry Variant Classification Scheme 2023. Collection method: clinical testing. Allele origin: germline.
Comment: The c.2476C>T (p.R826*) alteration, located in exon 3 (coding exon 2) of the FLG gene, consists of a C to T substitution at nucleotide position 2476. This changes the amino acid from an arginine (R) to a stop codon at amino acid position 826. This variant is not expected to trigger nonsense-mediated mRNA decay, and impacts the last 79.7% of the protein. However, premature stop codons are typically deleterious in nature, the impacted region is critical for protein function, and a significant portion of the protein is affected (Ambry internal data). Based on data from gnomAD, the T allele has an overall frequency of 0.08% (226/282602) total alleles studied. The highest observed frequency was 0.763% (190/24906) of African alleles. Based on the available evidence, this alteration is classified as pathogenic.

Blueprint Genetics
Classification: Pathogenic for FLG-related disorders. Last evaluated: 2024-09-20. Review status: criteria provided, single submitter. Criteria: ACMG Guidelines, 2015. Collection method: clinical testing. Allele origin: germline. Affected: yes. Observed: 5 variant alleles.

Illumina Laboratory Services, Illumina
Classification: Pathogenic for FLG-related disorders. Last evaluated: 2024-09-05. Review status: criteria provided, single submitter. Criteria: ICSLVariantClassificationCriteria RUGD 01 April 2020. Collection method: clinical testing. Allele origin: unknown.

PreventionGenetics, part of Exact Sciences
Classification: Pathogenic for FLG-related condition. Last evaluated: 2023-02-24. Review status: criteria provided, single submitter. Criteria: ACMG Guidelines, 2015. Collection method: clinical testing. Allele origin: germline.
Comment: The FLG c.2476C>T variant is predicted to result in premature protein termination (p.Arg826*). This variant has been reported in the heterozygous state in multiple individuals affected by atopic dermatitis, ichthyosis vulgaris, and psoriasis vulgaris, including a control individual later discovered to have a history of asthma (Table 2, Zhang et al. 2010. PubMed ID: 21039602; Table 2, Hu et al. 2012. PubMed ID: 22407025; Table 1, Polcari et al. 2014. PubMed ID: 24920311; Table 1, Mathyer et al. 2018. PubMed ID: 29791750; Table 1, Margolis et al. 2019. PubMed ID: 31365035). This variant is reported in 0.76% of alleles in individuals of African descent, including two homozygotes, in gnomAD. Variable expressivity and differing environmental factors may help explain the presence of this loss-of-function FLG variant in individuals in the general population. Nonsense variants in FLG are expected to be pathogenic. This variant is interpreted as pathogenic.

Laboratorio de Genetica e Diagnostico Molecular, Hospital Israelita Albert Einstein
Classification: Pathogenic for Ichthyosis vulgaris. Last evaluated: 2022-08-19. Review status: criteria provided, single submitter. Criteria: ACMG Guidelines, 2015. Collection method: clinical testing. Allele origin: germline. Affected: yes. Observed: 1 variant allele.
Comment: ACMG classification criteria: PVS1 strong, PS4 strong, PM3 moderated

Pittsburgh Clinical Genomics Laboratory, University of Pittsburgh Medical Center
Classification: Pathogenic for Ichthyosis vulgaris. Last evaluated: 2022-04-11. Review status: criteria provided, single submitter. Criteria: ACMG Guidelines, 2015. Collection method: clinical testing. Allele origin: germline. Inheritance: Autosomal dominant inheritance. Affected: yes.
Comment: This sequence variant is a single nucleotide substitution (C>T) that generates a stop codon at position 826 of the FLG protein. This variant is predicted to generate a non-functiol allele through either the expression of a truncated protein, or a loss of FLG expression due to nonsense mediated decay. This variant has been reported in the literature in several patients with acute dermatitis or ichthyosis vulgaris (PMID: 21428977, 22407025, 29428354, 29791750). This variant is present in control population datasets (gnomAD database 22/282602 alleles or 0.08%). Because haploinsufficiency is a known mechanism of disease for FLG, we consider this variant to be pathogenic. ACMG Criteria: PM3, PVS1

Victorian Clinical Genetics Services, Murdoch Childrens Research Institute
Classification: Pathogenic for Ichthyosis vulgaris. Last evaluated: 2022-02-02. Review status: criteria provided, single submitter. Criteria: ACMG Guidelines, 2015. Collection method: clinical testing. Allele origin: germline. Affected: yes.
Comment: Based on the classification scheme VCGS_Germline_v1.3.4, this variant is classified as Pathogenic. Following criteria are met: 0102 - Loss of function is a known mechanism of disease in this gene and is associated with ichthyosis vulgaris (MIM#146700). (I) 0108 - This gene is associated with both recessive and dominant disease. Biallelic truncating variants tend to result in a more severe condition (PMID: 17291859, PMID: 30681730). (I) 0112 - The condition associated with this gene has incomplete penetrance. Heterozygous carriers are more likely to be asymptomatic than individuals with biallelic mutations (PMID: 17291859, PMID: 30681730). (I) 0204 - Variant is predicted to result in a truncated protein (premature termination codon is NOT located at least 54 nucleotides upstream of the final exon-exon junction) with at least 1/3 of the protein sequence affected. (SP) 0251 - This variant is heterozygous. (I) 0304 - Variant is present in gnomAD (v2) <0.01 for a condition (222 heterozygotes, 2 homozygotes). (SP) 0701 - Other truncating variants comparable to the one identified in this case have very strong previous evidence for pathogenicity (DECIPHER). (SP) 0801 - This variant has strong previous evidence of pathogenicity in unrelated individuals. This variant has been observed in several individuals with FLG-related conditions (ClinVar, PMIDs: 21039602, 24920311, 28143684). (I) Legend: (SP) - Supporting pathogenic, (I) - Information, (SB) - Supporting benign